The following is an entry in ClinVar:

ClinVar aggregate classification (germline): Likely benign. Review status: criteria provided, multiple submitters, no conflicts (2 of 4 stars). 2 submissions from 2 submitters: Likely benign (2). Last evaluated 2026-07-01.

Conditions:
Neonatal-onset encephalopathy with rigidity and seizures. Also called: Lethal neonatal spasticity-epileptic encephalopathy syndrome. Identifiers: Orphanet 435845, MedGen C3281029, MONDO:0013784, OMIM 614498.

Allele frequency attached by ClinVar (database versions not stated): TOPMed below 0.00001; gnomAD 0.00001; gnomAD exomes 0.00003; ExAC 0.00004.
gnomAD v4.1: 20 of 1,604,356 alleles (0.0012%); highest among the groups gnomAD compares: East Asian, 0.0022%; no homozygotes.

Submissions (2):

CeGaT Center for Human Genetics Tuebingen
Classification: Likely benign. Last evaluated: 2026-07-01. Review status: criteria provided, single submitter. Criteria: CeGaT Center For Human Genetics Tuebingen Variant Classification Criteria Version 2. Collection method: clinical testing. Allele origin: germline. Affected: yes. Observed: 1 variant allele.
Comment: BRAT1: BP4, BP7

Labcorp Genetics (formerly Invitae), Labcorp
Classification: Likely benign for Neonatal-onset encephalopathy with rigidity and seizures. Last evaluated: 2023-08-19. Review status: criteria provided, single submitter. Criteria: Invitae Variant Classification Sherloc (09022015). Collection method: clinical testing. Allele origin: germline.

NM_152743.4(BRAT1):c.1224C>T (p.Ala408=)

Gene: BRAT1 (BRCA1 associated ATM activator 1; minus strand). Cytogenetic location: 7p22.3.
Variant type: single nucleotide variant.
Coding change: c.1224C>T on transcript NM_152743.4 (MANE Select); coding-DNA position 1224, C replaced by T.
Protein change: p.Ala408=; no amino-acid change (alanine 408 retained).
Molecular consequence: synonymous variant. On other transcripts: non-coding transcript variant (1).
Genome position (GRCh38, 1-based): chr7:2,541,395, G>A on the plus strand (C>T on the coding strand, the complement: BRAT1 is on the minus strand). VCF-style: chr7-2541395-G-A. GRCh37 (hg19) VCF-style: chr7-2581029-G-A.
Other names: c.1224C>T, p.Ala408= (NM_001350626.2); c.699C>T, p.Ala233= (NM_001350627.2).
Identifiers: ClinVar variation 2742384 (VCV002742384.4), dbSNP rs759689169, ClinGen allele CA4127875.